The following is an entry in ClinVar:

ClinVar aggregate classification (germline): Uncertain significance (1 of 4 stars; one submission).

Conditions:
Myopathy, proximal, and ophthalmoplegia (CMYO6). Also called: MYOPATHY WITH CONGENITAL JOINT CONTRACTURES, OPHTHALMOPLEGIA, AND RIMMED VACUOLES; CONGENITAL MYOPATHY 6 WITH OPHTHALMOPLEGIA; INCLUSION BODY MYOPATHY 3, AUTOSOMAL DOMINANT. Identifiers: Orphanet 363677, Orphanet 79091, MedGen C1854106, MONDO:0011577, OMIM 605637.

Allele frequency attached by ClinVar (database versions not stated): gnomAD exomes below 0.00001.
gnomAD v4.1: 1 of 1,613,910 alleles (0.000062%); highest among the groups gnomAD compares: African/African-American, 0.0013%; no homozygotes.

Submission:

Labcorp Genetics (formerly Invitae), Labcorp
Classification: Uncertain significance for Myopathy, proximal, and ophthalmoplegia. Last evaluated: 2023-09-11. Review status: criteria provided, single submitter. Criteria: Invitae Variant Classification Sherloc (09022015). Collection method: clinical testing. Allele origin: germline.
Comment: This sequence change replaces isoleucine, which is neutral and non-polar, with threonine, which is neutral and polar, at codon 1167 of the MYH2 protein (p.Ile1167Thr). This variant is not present in population databases (gnomAD no frequency). This variant has not been reported in the literature in individuals affected with MYH2-related conditions. Advanced modeling of protein sequence and biophysical properties (such as structural, functional, and spatial information, amino acid conservation, physicochemical variation, residue mobility, and thermodynamic stability) performed at Invitae indicates that this missense variant is not expected to disrupt MYH2 protein function. In summary, the available evidence is currently insufficient to determine the role of this variant in disease. Therefore, it has been classified as a Variant of Uncertain Significance.

NM_017534.6(MYH2):c.3500T>C (p.Ile1167Thr)

Genes: MYHAS (myosin heavy chain gene cluster antisense RNA; plus strand), MYH2 (myosin heavy chain 2; minus strand). Cytogenetic location: 17p13.1.
Variant type: single nucleotide variant.
Coding change: c.3500T>C on transcript NM_017534.6 (MANE Select); coding-DNA position 3500, T replaced by C.
Protein change: p.Ile1167Thr; replaces isoleucine 1167 with threonine.
Molecular consequence: missense variant.
Genome position (GRCh38, 1-based): chr17:10,528,934, A>G on the plus strand (T>C on the coding strand, the complement: MYH2 is on the minus strand). VCF-style: chr17-10528934-A-G. GRCh37 (hg19) VCF-style: chr17-10432251-A-G.
Other names: c.3500T>C, p.Ile1167Thr (NM_001100112.2); short protein forms I1167T.
Identifiers: ClinVar variation 2880104 (VCV002880104.3), dbSNP rs2508428689, ClinGen allele CA398133948.
Genomic context (GRCh38, chr17:10,528,934, plus strand): 5'-GCCTCCTCCAGGTCCCTGCGCATTTTCTGGAACTCAGCCTCCCGCTTCTTGTTCATCTCA[A>G]TCTGGGCTGAAGTGGCCCCACCGGCTTCTTCCAGCCTCTCGCTGATCTCCTCCAGCTCCC-3'
Protein context (NP_060004.3, residues 1157-1177): EEAGGATSAQ[Ile1167Thr]EMNKKREAEF